The following is an entry in ClinVar:

ClinVar aggregate classification (germline): Likely benign (1 of 4 stars; one submission).

Allele frequency attached by ClinVar (database versions not stated): ESP Exome Variant Server 0.00015; 1000 Genomes Project 0.00020; TOPMed 0.00020; 1000 Genomes Project 30x 0.00031; ExAC 0.00031; gnomAD 0.00032; gnomAD exomes 0.00033.

Submission:

CeGaT Center for Human Genetics Tuebingen
Classification: Likely benign. Last evaluated: 2025-06-01. Review status: criteria provided, single submitter. Criteria: CeGaT Center For Human Genetics Tuebingen Variant Classification Criteria Version 2. Collection method: clinical testing. Allele origin: germline. Affected: yes. Observed: 2 variant alleles.
Comment: SPEN: BP4, BP7

NM_015001.3(SPEN):c.8904C>T (p.Ile2968=)

Gene: SPEN (spen family transcriptional repressor; plus strand). Cytogenetic location: 1p36.13.
Variant type: single nucleotide variant.
Coding change: c.8904C>T on transcript NM_015001.3 (MANE Select); coding-DNA position 8904, C replaced by T.
Protein change: p.Ile2968=; no amino-acid change (isoleucine 2968 retained).
Molecular consequence: synonymous variant.
Genome position (GRCh38, 1-based): chr1:15,935,144, C>T. VCF-style: chr1-15935144-C-T. GRCh37 (hg19) VCF-style: chr1-16261639-C-T.
Identifiers: ClinVar variation 2638340 (VCV002638340.24), dbSNP rs145129045, ClinGen allele CA620363.